The following is an entry in ClinVar:

NM_005660.3(SLC35A2):c.1050T>C (p.Ser350=)

Gene: SLC35A2 (solute carrier family 35 member A2; minus strand). Cytogenetic location: Xp11.23.
Variant type: single nucleotide variant.
Coding change: c.1050T>C on transcript NM_005660.3 (MANE Select); coding-DNA position 1050, T replaced by C.
Protein change: p.Ser350=; no amino-acid change (serine 350 retained).
Molecular consequence: synonymous variant. On other transcripts: missense variant (3).
Genome position (GRCh38, 1-based): chrX:48,904,859, A>G on the plus strand (T>C on the coding strand, the complement: SLC35A2 is on the minus strand). VCF-style: chrX-48904859-A-G. GRCh37 (hg19) VCF-style: chrX-48762136-A-G.
Other names: c.1050T>C (NM_001042498.2); c.460T>C, p.Cys154Arg (NM_001032289.3, NM_001282647.2); c.1050T>C, p.Ser350= (NM_001042498.3); c.388T>C, p.Cys130Arg (NM_001282648.2); c.867T>C, p.Ser289= (NM_001282649.2); c.1089T>C, p.Ser363= (NM_001282650.2); c.1134T>C, p.Ser378= (NM_001282651.2); short protein forms C130R, C154R.
Identifiers: ClinVar variation 1148163 (VCV001148163.13), dbSNP rs782768502, ClinGen allele CA10406069.

ClinVar aggregate classification (germline): Benign/Likely benign. Review status: criteria provided, multiple submitters, no conflicts (2 of 4 stars). 4 submissions from 4 submitters: Benign (1); Likely benign (3). Last evaluated 2026-06-01.

Conditions:
SLC35A2-congenital disorder of glycosylation. Also called: SLC35A2-CDG; DEVELOPMENTAL AND EPILEPTIC ENCEPHALOPATHY 22; CONGENITAL DISORDER OF GLYCOSYLATION, TYPE IIm; CDG IIm; CONGENITAL DISORDER OF GLYCOSYLATION, TYPE IIm, SOMATIC MOSAIC; EPILEPTIC ENCEPHALOPATHY, EARLY INFANTILE, 22. Identifiers: Orphanet 356961, MedGen C3806688, MONDO:0010478, OMIM 300896.
Inborn genetic diseases. Identifiers: MedGen C0950123, MeSH D030342.

Allele frequency attached by ClinVar (database versions not stated): ExAC 0.00001; gnomAD exomes 0.00001 and 0.00004; TOPMed 0.00003; gnomAD 0.00004.
gnomAD v4.1: 43 of 1,210,304 alleles (0.0036%); highest among the groups gnomAD compares: Non-Finnish European, 0.0046%; no homozygotes.

Submissions (4):

CeGaT Center for Human Genetics Tuebingen
Classification: Likely benign. Last evaluated: 2026-06-01. Review status: criteria provided, single submitter. Criteria: CeGaT Center For Human Genetics Tuebingen Variant Classification Criteria Version 2. Collection method: clinical testing. Allele origin: germline. Affected: yes. Observed: 1 variant allele.
Comment: SLC35A2: BP4, BS2

Ambry Genetics
Classification: Likely benign for Inborn genetic diseases. Last evaluated: 2025-11-03. Review status: criteria provided, single submitter. Criteria: Ambry Variant Classification Scheme 2023. Collection method: clinical testing. Allele origin: germline.

Laboratory of Genetics, Children's Clinical University Hospital Latvia
Classification: Benign. Last evaluated: 2025-02-16. Review status: criteria provided, single submitter. Criteria: ACMG Guidelines, 2015. Collection method: clinical testing. Allele origin: germline. Affected: yes.

Labcorp Genetics (formerly Invitae), Labcorp
Classification: Likely benign for SLC35A2-congenital disorder of glycosylation. Last evaluated: 2024-10-16. Review status: criteria provided, single submitter. Criteria: Invitae Variant Classification Sherloc (09022015). Collection method: clinical testing. Allele origin: germline.